The following is an entry in ClinVar:

ClinVar aggregate classification (germline): Uncertain significance. Review status: criteria provided, multiple submitters, no conflicts (2 of 4 stars). 3 submissions from 3 submitters: Uncertain significance (3). Last evaluated 2026-06-06.

Conditions:
EHHADH-related disorder. Also called: EHHADH-related condition.

Allele frequency attached by ClinVar (database versions not stated): gnomAD exomes below 0.00001; gnomAD 0.00003; TOPMed 0.00003.
gnomAD v4.1: 6 of 1,557,012 alleles (0.00039%); highest among the groups gnomAD compares: Admixed American, 0.0089%; no homozygotes.

Submissions (3):

PreventionGenetics, part of Exact Sciences
Classification: Uncertain significance for EHHADH-related condition. Last evaluated: 2026-06-06. Review status: criteria provided, single submitter. Criteria: ACMG Guidelines, 2015. Collection method: clinical testing. Allele origin: germline.
Comment: The EHHADH c.353C>T variant is predicted to result in the amino acid substitution p.Ala118Val. To our knowledge, this variant has not been reported in the literature or in a large population database (gnomAD), indicating this variant is rare. At this time, the clinical significance of this variant is uncertain due to the absence of conclusive functional and genetic evidence.

Ambry Genetics
Classification: Uncertain significance. Last evaluated: 2024-08-19. Review status: criteria provided, single submitter. Criteria: Ambry Variant Classification Scheme 2023. Collection method: clinical testing. Allele origin: germline.

Eurofins Ntd Llc (ga)
Classification: Uncertain significance. Last evaluated: 2017-07-03. Review status: criteria provided, single submitter. Criteria: EGL Classification Definitions 2015. Collection method: clinical testing. Allele origin: germline. Observed: 1 variant allele, 1 heterozygote.

NM_001966.4(EHHADH):c.353C>T (p.Ala118Val)

Gene: EHHADH (enoyl-CoA hydratase and 3-hydroxyacyl CoA dehydrogenase; minus strand). Cytogenetic location: 3q27.2.
Variant type: single nucleotide variant.
Coding change: c.353C>T on transcript NM_001966.4 (MANE Select); coding-DNA position 353, C replaced by T.
Protein change: p.Ala118Val; replaces alanine 118 with valine.
Molecular consequence: missense variant.
Genome position (GRCh38, 1-based): chr3:185,229,542, G>A on the plus strand (C>T on the coding strand, the complement: EHHADH is on the minus strand). VCF-style: chr3-185229542-G-A. GRCh37 (hg19) VCF-style: chr3-184947330-G-A.
Other names: c.65C>T, p.Ala22Val (NM_001166415.2); c.353C>T (NM_001966.3); short protein forms A118V, A22V.
Identifiers: ClinVar variation 593038 (VCV000593038.9), dbSNP rs1560017500, ClinGen allele CA355682279.